The following is an entry in ClinVar:

ClinVar aggregate classification (germline): Uncertain significance (1 of 4 stars; one submission).

gnomAD v4.1: 2 of 1,614,062 alleles (0.00012%); highest among the groups gnomAD compares: East Asian, 0.0045%; no homozygotes.

Submission:

Labcorp Genetics (formerly Invitae), Labcorp
Classification: Uncertain significance. Last evaluated: 2021-05-28. Review status: criteria provided, single submitter. Criteria: Invitae Variant Classification Sherloc (09022015). Collection method: clinical testing. Allele origin: germline.
Comment: In summary, the available evidence is currently insufficient to determine the role of this variant in disease. Therefore, it has been classified as a Variant of Uncertain Significance. Algorithms developed to predict the effect of missense changes on protein structure and function are either unavailable or do not agree on the potential impact of this missense change (SIFT: "Tolerated"; PolyPhen-2: "Probably Damaging"; Align-GVGD: "Class C0"). This variant has not been reported in the literature in individuals with MFAP5-related conditions. This variant is not present in population databases (ExAC no frequency). This sequence change replaces cysteine with serine at codon 124 of the MFAP5 protein (p.Cys124Ser). The cysteine residue is highly conserved and there is a moderate physicochemical difference between cysteine and serine.

NM_003480.4(MFAP5):c.371G>C (p.Cys124Ser)

Gene: MFAP5 (microfibril associated protein 5; minus strand). Cytogenetic location: 12p13.31.
Variant type: single nucleotide variant.
Coding change: c.371G>C on transcript NM_003480.4 (MANE Select); coding-DNA position 371, G replaced by C.
Protein change: p.Cys124Ser; replaces cysteine 124 with serine.
Molecular consequence: missense variant. On other transcripts: non-coding transcript variant (2), intron variant (1).
Genome position (GRCh38, 1-based): chr12:8,649,539, C>G on the plus strand (G>C on the coding strand, the complement: MFAP5 is on the minus strand). VCF-style: chr12-8649539-C-G. GRCh37 (hg19) VCF-style: chr12-8802135-C-G.
Other names: c.341G>C, p.Cys114Ser (NM_001297709.2); c.305G>C, p.Cys102Ser (NM_001297710.2); c.296G>C, p.Cys99Ser (NM_001297711.2); c.218-1336G>C (NM_001297712.2); short protein forms C114S, C99S, C124S, C102S.
Identifiers: ClinVar variation 1474937 (VCV001474937.8), dbSNP rs1200077591, ClinGen allele CA384038903.